The following is an entry in ClinVar:

ClinVar aggregate classification (germline): Likely benign. Review status: criteria provided, multiple submitters, no conflicts (2 of 4 stars). 2 submissions from 2 submitters: Likely benign (2). Last evaluated 2026-08-01.

Allele frequency attached by ClinVar (database versions not stated): 1000 Genomes Project 30x 0.00156; 1000 Genomes Project 0.00160; gnomAD exomes 0.00189 and 0.00214; gnomAD 0.00269 and 0.00280; TOPMed 0.00314; ExAC 0.00344.
gnomAD v4.1: 1,999 of 892,360 alleles (0.22%); highest among the groups gnomAD compares: African/African-American, 0.37%; 3 homozygotes.

Submissions (2):

CeGaT Center for Human Genetics Tuebingen
Classification: Likely benign. Last evaluated: 2026-08-01. Review status: criteria provided, single submitter. Criteria: CeGaT Center For Human Genetics Tuebingen Variant Classification Criteria Version 2. Collection method: clinical testing. Allele origin: germline. Affected: yes. Observed: 9 variant alleles.
Comment: DST: BP4, BP7

Breakthrough Genomics
Classification: Likely benign. Review status: criteria provided, single submitter. Criteria: ACMG Guidelines, 2015. Collection method: not provided. Allele origin: germline. Inheritance: Autosomal recessive inheritance. Affected: yes.

NM_001374736.1(DST):c.4929+81A>G

Gene: DST (dystonin; minus strand). Cytogenetic location: 6p12.1.
Variant type: single nucleotide variant.
Coding change: c.4929+81A>G on transcript NM_001374736.1 (MANE Select); 81 bases into the intron after coding-DNA position 4929, A replaced by G.
Molecular consequence: intron variant.
Genome position (GRCh38, 1-based): chr6:56,624,449, T>C on the plus strand (A>G on the coding strand, the complement: DST is on the minus strand). VCF-style: chr6-56624449-T-C. GRCh37 (hg19) VCF-style: chr6-56489247-T-C.
Other names: c.4830+81A>G (NM_001144769.5); c.4929+81A>G (NM_001374722.1); c.4956+81A>G (NM_001374734.1); c.4416+81A>G (NM_001144770.2); c.4296+81A>G (NM_001374730.1, NM_001386100.1, NM_183380.4 and 1 more transcripts); c.3318+81A>G (NM_015548.5, NM_001723.7).
Identifiers: ClinVar variation 1676023 (VCV001676023.34), dbSNP rs542262570, ClinGen allele CA3870751.